The following is an entry in ClinVar:

NM_017617.5(NOTCH1):c.1556-23TCCCC[2]

Gene: NOTCH1 (notch receptor 1; minus strand). Cytogenetic location: 9q34.3.
Variant type: Microsatellite.
Coding change: c.1556-23TCCCC[2] on transcript NM_017617.5 (MANE Select); two copies in a row of the 5-base unit TCCCC starting at c.1556-23; the reference has three copies in a row; one copy, 5 bases deleted.
Molecular consequence: intron variant.
Genome position (GRCh38, 1-based): chr9:136,516,103-136,516,107, GGGGA deleted on the plus strand (TCCCC on the coding strand, the reverse complement: NOTCH1 is on the minus strand); deleting any 5 consecutive bases within chr9:136,516,103-136,516,120 gives the same sequence; the position shown is the placement nearest the transcript's 3' end. VCF-style (leftmost placement, unchanged base first): chr9-136516102-CGGGGA-C. GRCh37 (hg19) VCF-style: chr9-139410554-CGGGGA-C.
Other names: c.1556-13_1556-9del5 (NM_017617.4).
Identifiers: ClinVar variation 2724935 (VCV002724935.5), dbSNP rs747100045, ClinGen allele CA5341714.
Genomic context (GRCh38, chr9:136,516,102, plus strand): 5'-GGGGGTGCTGGCACACTCGTCCACATCGTACTGGCACAGATGCCCAGTGAAGCCTGGGGC[CGGGGA>C]GGGGAGGGGAGGGAGTCATGTGCAACAGCACTATGGCCCTTCAGGGACCCCTGGCCAGAC-3'

ClinVar aggregate classification (germline): Likely benign. Review status: criteria provided, single submitter (1 of 4 stars). 2 submissions from 2 submitters: Likely benign (1). 1 of the submissions does not count toward it. Last evaluated 2023-10-26.

Conditions:
NOTCH1-related disorder. Also called: NOTCH1-related condition; NOTCH1-related disorders.
Adams-Oliver syndrome 5 (AOS5). Identifiers: Orphanet 974, MedGen C4014970, MONDO:0014459, OMIM 616028.

Submissions (2):

Labcorp Genetics (formerly Invitae), Labcorp
Classification: Likely benign for Adams-Oliver syndrome 5. Last evaluated: 2023-10-26. Review status: criteria provided, single submitter. Criteria: Invitae Variant Classification Sherloc (09022015). Collection method: clinical testing. Allele origin: germline.

PreventionGenetics, part of Exact Sciences
Classification: Likely benign for NOTCH1-related condition. Last evaluated: 2019-09-25. Review status: no assertion criteria provided. Collection method: clinical testing. Allele origin: germline. Not counted in ClinVar's aggregate classification.
Comment: This variant is classified as likely benign based on ACMG/AMP sequence variant interpretation guidelines (Richards et al. 2015 PMID: 25741868, with internal and published modifications).